The following is an entry in ClinVar:

ClinVar aggregate classification (germline): Uncertain significance. Review status: criteria provided, multiple submitters, no conflicts (2 of 4 stars). 4 submissions from 4 submitters: Uncertain significance (3). 1 of the submissions does not count toward it. Last evaluated 2026-01-05.

Conditions:
Epidermolysis bullosa simplex, Ogna type (EBS5A). Also called: Pidermolysis bullosa simplex 5A, Ogna type; EPIDERMOLYSIS BULLOSA SIMPLEX 5A, OGNA TYPE. Identifiers: Orphanet 79401, MedGen C0432317, MONDO:0007555, OMIM 131950.
Autosomal recessive limb-girdle muscular dystrophy type 2Q (LGMDR17). Also called: MUSCULAR DYSTROPHY, LIMB-GIRDLE, AUTOSOMAL RECESSIVE 17. Identifiers: Orphanet 254361, MedGen C3150989, MONDO:0013390, OMIM 613723.
Epidermolysis bullosa simplex 5C, with pyloric atresia (EBS5C). Also called: PLEC-Related Epidermolysis Bullosa with Pyloric Atresia; Epidermolysis bullosa simplex with pyloric atresia; PLEC1-Related Epidermolysis Bullosa with Pyloric Atresia. Identifiers: Orphanet 158684, MedGen C2677349, MONDO:0012807, OMIM 612138.
Epidermolysis bullosa simplex 5B, with muscular dystrophy (EBS5B). Also called: EPIDERMOLYSIS BULLOSA SIMPLEX AND LIMB-GIRDLE MUSCULAR DYSTROPHY; Epidermolysis bullosa simplex with muscular dystrophy. Identifiers: Orphanet 257, MedGen C2931072, MONDO:0009181, OMIM 226670.
Epidermolysis bullosa simplex with nail dystrophy (EBS5D). Identifiers: MedGen C4225309, MONDO:0014661, OMIM 616487.
PLEC-related disorder. Also called: PLEC-related disorders; PLEC-related condition.

Allele frequency attached by ClinVar (database versions not stated): gnomAD exomes 0.00019 and 0.00025; gnomAD 0.00024; TOPMed 0.00026; ExAC 0.00036; 1000 Genomes Project 0.00060; 1000 Genomes Project 30x 0.00062.
gnomAD v4.1: 288 of 1,535,532 alleles (0.019%); highest among the groups gnomAD compares: South Asian, 0.043%; 1 homozygote.

Submissions (4):

Labcorp Genetics (formerly Invitae), Labcorp
Classification: Uncertain significance for Autosomal recessive limb-girdle muscular dystrophy type 2Q; Epidermolysis bullosa simplex, Ogna type; Epidermolysis bullosa simplex with nail dystrophy; Epidermolysis bullosa simplex 5C, with pyloric atresia; Epidermolysis bullosa simplex 5B, with muscular dystrophy. Last evaluated: 2026-01-05. Review status: criteria provided, single submitter. Criteria: Invitae Variant Classification Sherloc (09022015). Collection method: clinical testing. Allele origin: germline.
Comment: This sequence change replaces arginine, which is basic and polar, with tryptophan, which is neutral and slightly polar, at codon 1744 of the PLEC protein (p.Arg1744Trp). This variant is present in population databases (rs192022872, gnomAD 0.2%). This variant has not been reported in the literature in individuals affected with PLEC-related conditions. ClinVar contains an entry for this variant (Variation ID: 538933). Invitae Evidence Modeling of protein sequence and biophysical properties (such as structural, functional, and spatial information, amino acid conservation, physicochemical variation, residue mobility, and thermodynamic stability) indicates that this missense variant is not expected to disrupt PLEC protein function with a negative predictive value of 80%. In summary, the available evidence is currently insufficient to determine the role of this variant in disease. Therefore, it has been classified as a Variant of Uncertain Significance.

Revvity Omics, Revvity
Classification: Uncertain significance. Last evaluated: 2025-01-15. Review status: criteria provided, single submitter. Criteria: ACMG Guidelines, 2015. Collection method: clinical testing. Allele origin: germline.

Eurofins Ntd Llc (ga)
Classification: Uncertain significance. Last evaluated: 2017-09-19. Review status: criteria provided, single submitter. Criteria: EGL Classification Definitions 2015. Collection method: clinical testing. Allele origin: germline. Observed: 3 variant alleles, 3 heterozygotes.

PreventionGenetics, part of Exact Sciences
Classification: Likely benign for PLEC-related condition. Last evaluated: 2024-05-29. Review status: no assertion criteria provided. Collection method: clinical testing. Allele origin: germline. Not counted in ClinVar's aggregate classification.
Comment: This variant is classified as likely benign based on ACMG/AMP sequence variant interpretation guidelines (Richards et al. 2015 PMID: 25741868, with internal and published modifications).

NM_201384.3(PLEC):c.5149C>T (p.Arg1717Trp)

Gene: PLEC (plectin; minus strand). Cytogenetic location: 8q24.3.
Variant type: single nucleotide variant.
Coding change: c.5149C>T on transcript NM_201384.3 (MANE Select); coding-DNA position 5149, C replaced by T.
Protein change: p.Arg1717Trp; replaces arginine 1717 with tryptophan.
Molecular consequence: missense variant.
Genome position (GRCh38, 1-based): chr8:143,924,780, G>A on the plus strand (C>T on the coding strand, the complement: PLEC is on the minus strand). VCF-style: chr8-143924780-G-A. GRCh37 (hg19) VCF-style: chr8-144998948-G-A.
Other names: c.5230C>T, p.Arg1744Trp (NM_000445.5); c.5107C>T, p.Arg1703Trp (NM_201378.4); c.5083C>T, p.Arg1695Trp (NM_201379.3); c.5560C>T, p.Arg1854Trp (NM_201380.4); c.5053C>T, p.Arg1685Trp (NM_201381.3); c.5149C>T, p.Arg1717Trp (NM_201382.4); c.5161C>T, p.Arg1721Trp (NM_201383.3); short protein forms R1721W, R1744W, R1685W, R1717W, R1854W, R1695W, R1703W.
Identifiers: ClinVar variation 538933 (VCV000538933.15), dbSNP rs192022872, ClinGen allele CA4926416.